The following is an entry in ClinVar:

ClinVar aggregate classification (germline): Likely benign (1 of 4 stars; one submission).

Allele frequency attached by ClinVar (database versions not stated): ExAC 0.00091; gnomAD 0.00204; ESP Exome Variant Server 0.00232; 1000 Genomes Project 0.00260; 1000 Genomes Project 30x 0.00312.
gnomAD v4.1: 625 of 1,606,720 alleles (0.039%); highest among the groups gnomAD compares: African/African-American, 0.71%; 1 homozygote.

Submission:

CeGaT Center for Human Genetics Tuebingen
Classification: Likely benign. Last evaluated: 2024-07-01. Review status: criteria provided, single submitter. Criteria: CeGaT Center For Human Genetics Tuebingen Variant Classification Criteria Version 2. Collection method: clinical testing. Allele origin: germline. Affected: yes. Observed: 1 variant allele.
Comment: POLRMT: BP4, BS2

NM_005035.4(POLRMT):c.3323+7G>T

Gene: POLRMT (RNA polymerase mitochondrial; minus strand). Cytogenetic location: 19p13.3.
Variant type: single nucleotide variant.
Coding change: c.3323+7G>T on transcript NM_005035.4 (MANE Select); 7 bases into the intron after coding-DNA position 3323, G replaced by T.
Molecular consequence: intron variant.
Genome position (GRCh38, 1-based): chr19:618,698, C>A on the plus strand (G>T on the coding strand, the complement: POLRMT is on the minus strand). VCF-style: chr19-618698-C-A. GRCh37 (hg19) VCF-style: chr19-618698-C-A.
Other names: c.3281+7G>T (NM_001407813.1, NM_001407811.1); c.3311+7G>T (NM_001407810.1, NM_001407807.1); c.3314+7G>T (NM_001407809.1, NM_001407806.1); c.3098+7G>T (NM_001407832.1, NM_001407830.1); c.3200+7G>T (NM_001407829.1); c.3245+7G>T (NM_001407815.1, NM_001407814.1); c.3284+7G>T (NM_001407812.1); c.3323+7G>T (NM_001407816.1, NM_001407805.1); and 5 more.
Identifiers: ClinVar variation 3250616 (VCV003250616.18), dbSNP rs115969318.